The following is an entry in ClinVar:

NM_012309.5(SHANK2):c.4280G>A (p.Arg1427Gln)

Gene: SHANK2 (SH3 and multiple ankyrin repeat domains 2; minus strand). Cytogenetic location: 11q13.3.
Variant type: single nucleotide variant.
Coding change: c.4280G>A on transcript NM_012309.5 (MANE Select); coding-DNA position 4280, G replaced by A.
Protein change: p.Arg1427Gln; replaces arginine 1427 with glutamine.
Molecular consequence: missense variant.
Genome position (GRCh38, 1-based): chr11:70,486,013, C>T on the plus strand (G>A on the coding strand, the complement: SHANK2 is on the minus strand). VCF-style: chr11-70486013-C-T. GRCh37 (hg19) VCF-style: chr11-70332118-C-T.
Other names: c.3143G>A, p.Arg1048Gln (NM_001379226.1); c.2516G>A, p.Arg839Gln (NM_133266.5); short protein forms R1048Q, R1427Q, R839Q.
Identifiers: ClinVar variation 1299858 (VCV001299858.9), dbSNP rs782253326, ClinGen allele CA6160947.

ClinVar aggregate classification (germline): Likely benign. Review status: criteria provided, single submitter (1 of 4 stars). 3 submissions from 3 submitters: Likely benign (1). 2 of the submissions do not count toward it. Last evaluated 2025-07-01.

Allele frequency attached by ClinVar (database versions not stated): ExAC 0.00007.
gnomAD v4.1: 52 of 1,613,910 alleles (0.0032%); highest among the groups gnomAD compares: Non-Finnish European, 0.0042%; no homozygotes.

Submissions (3):

CeGaT Center for Human Genetics Tuebingen
Classification: Likely benign. Last evaluated: 2025-07-01. Review status: criteria provided, single submitter. Criteria: CeGaT Center For Human Genetics Tuebingen Variant Classification Criteria Version 2. Collection method: clinical testing. Allele origin: germline. Affected: yes. Observed: 1 variant allele.
Comment: SHANK2: BP4, BS2

Diagnostic Laboratory, Department of Genetics, University Medical Center Groningen
Classification: Uncertain significance. Review status: no assertion criteria provided. Collection method: clinical testing. Allele origin: germline. Affected: yes. Study: VKGL Data-share Consensus. Not counted in ClinVar's aggregate classification.

Laboratory of Diagnostic Genome Analysis, Leiden University Medical Center (LUMC)
Classification: Uncertain significance. Review status: no assertion criteria provided. Collection method: clinical testing. Allele origin: germline. Affected: yes. Study: VKGL Data-share Consensus. Not counted in ClinVar's aggregate classification.